The following is an entry in ClinVar:

ClinVar aggregate classification (germline): Pathogenic (1 of 4 stars; one submission).

Conditions:
Developmental and epileptic encephalopathy. Identifiers: MedGen C5779964, MONDO:0100620.

Submission:

Labcorp Genetics (formerly Invitae), Labcorp
Classification: Pathogenic for Early-infantile DEE. Last evaluated: 2019-06-18. Review status: criteria provided, single submitter. Criteria: Invitae Variant Classification Sherloc (09022015). Collection method: clinical testing. Allele origin: germline.
Comment: This variant is a gross deletion of the genomic region encompassing exons 15-17 of the KCNQ2 gene. The 5' boundary is likely confined to intron 14. The 3' end of this event is unknown as it extends through the termination codon beyond the assayed region for this gene and may encompass additional genes. While this deletion is not anticipated to result in nonsense mediated decay, it is expected to create a truncated protein product or disrupt mRNA translation. This variant has not been reported in the literature in individuals with KCNQ2-related conditions. This variant disrupts the C-terminus of the KCNQ2 protein. Other variant(s) that disrupt this region (p.Cys774Leufs*91) have been determined to be pathogenic (PMID: 23692823). This suggests that variants that disrupt this region of the protein are likely to be causative of disease. For these reasons, this variant has been classified as Pathogenic.

Literature cited by the submitters: PubMed 23692823.

NC_000020.10:g.(?_61952107)_62044936del

Gene: KCNQ2 (potassium voltage-gated channel subfamily Q member 2; minus strand).
Variant type: Deletion.
Identifiers: ClinVar variation 1069867 (VCV001069867.3).